The following is an entry in ClinVar:

NM_000338.3(SLC12A1):c.1168G>A (p.Ala390Thr)

Gene: SLC12A1 (solute carrier family 12 member 1; plus strand). Cytogenetic location: 15q21.1.
Variant type: single nucleotide variant.
Coding change: c.1168G>A on transcript NM_000338.3 (MANE Select); coding-DNA position 1168, G replaced by A.
Protein change: p.Ala390Thr; replaces alanine 390 with threonine.
Molecular consequence: missense variant.
Genome position (GRCh38, 1-based): chr15:48,234,957, G>A. VCF-style: chr15-48234957-G-A. GRCh37 (hg19) VCF-style: chr15-48527154-G-A.
Other names: c.1168G>A, p.Ala390Thr (NM_001184832.2, NM_001384136.1); short protein forms A390T.
Identifiers: ClinVar variation 1343856 (VCV001343856.2), dbSNP rs2141040234, ClinGen allele CA392308708.

ClinVar aggregate classification (germline): Uncertain significance (1 of 4 stars; one submission).

Submission:

GeneDx
Classification: Uncertain significance. Last evaluated: 2022-03-09. Review status: criteria provided, single submitter. Criteria: GeneDx Variant Classification Process June 2021. Collection method: clinical testing. Allele origin: germline. Affected: yes.
Comment: Has not been previously published as pathogenic or benign to our knowledge; Not observed at significant frequency in large population cohorts (gnomAD); In silico analysis supports that this missense variant has a deleterious effect on protein structure/function and suggests this variant may impact gene splicing; however, in the absence of RNA/functional studies, the actual effect of this sequence change is unknown